The following is an entry in ClinVar:

ClinVar aggregate classification (germline): Uncertain significance (1 of 4 stars; one submission).

Submission:

GeneDx
Classification: Uncertain significance. Last evaluated: 2025-02-03. Review status: criteria provided, single submitter. Criteria: GeneDx Variant Classification Process June 2021. Collection method: clinical testing. Allele origin: germline.
Comment: Not observed at significant frequency in large population cohorts (gnomAD); In silico analysis supports that this missense variant has a deleterious effect on protein structure/function; Has not been previously published as pathogenic or benign to our knowledge

NM_001283009.2(RTEL1):c.1418G>T (p.Arg473Leu)

Genes: RTEL1 (regulator of telomere elongation helicase 1; plus strand), RTEL1-TNFRSF6B (RTEL1-TNFRSF6B readthrough (NMD candidate); plus strand). Cytogenetic location: 20q13.33.
Variant type: single nucleotide variant.
Coding change: c.1418G>T on transcript NM_001283009.2 (MANE Select); coding-DNA position 1418, G replaced by T.
Protein change: p.Arg473Leu; replaces arginine 473 with leucine.
Molecular consequence: missense variant. On other transcripts: non-coding transcript variant (1).
Genome position (GRCh38, 1-based): chr20:63,687,707, G>T. VCF-style: chr20-63687707-G-T. GRCh37 (hg19) VCF-style: chr20-62319060-G-T.
Other names: c.749G>T, p.Arg250Leu (NM_001283010.1); c.1418G>T, p.Arg473Leu (NM_016434.4); c.1490G>T, p.Arg497Leu (NM_032957.5); short protein forms R250L, R473L, R497L.
Identifiers: ClinVar variation 3362163 (VCV003362163.2).